The following is an entry in ClinVar:

ClinVar aggregate classification (germline): Uncertain significance (1 of 4 stars; one submission).

Conditions:
Glycine encephalopathy. Also called: Non-ketotic hyperglycinemia; Nonketotic hyperglycinemia. Identifiers: Orphanet 407, MedGen C0751748, MONDO:0011612, HP:0008288.

Allele frequency attached by ClinVar (database versions not stated): TOPMed below 0.00001; gnomAD exomes 0.00001.

Submission:

Labcorp Genetics (formerly Invitae), Labcorp
Classification: Uncertain significance for Glycine encephalopathy. Last evaluated: 2021-08-13. Review status: criteria provided, single submitter. Criteria: Invitae Variant Classification Sherloc (09022015). Collection method: clinical testing. Allele origin: germline.
Comment: This sequence change replaces tyrosine with histidine at codon 400 of the AMT protein (p.Tyr400His). The tyrosine residue is highly conserved and there is a moderate physicochemical difference between tyrosine and histidine. This variant is not present in population databases (ExAC no frequency). This variant has not been reported in the literature in individuals affected with AMT-related conditions. Algorithms developed to predict the effect of missense changes on protein structure and function are either unavailable or do not agree on the potential impact of this missense change (SIFT: "Deleterious"; PolyPhen-2: "Benign"; Align-GVGD: "Class C35"). In summary, the available evidence is currently insufficient to determine the role of this variant in disease. Therefore, it has been classified as a Variant of Uncertain Significance.

NM_000481.4(AMT):c.1198T>C (p.Tyr400His)

Gene: AMT (aminomethyltransferase; minus strand). Cytogenetic location: 3p21.31.
Variant type: single nucleotide variant.
Coding change: c.1198T>C on transcript NM_000481.4 (MANE Select); coding-DNA position 1198, T replaced by C.
Protein change: p.Tyr400His; replaces tyrosine 400 with histidine.
Molecular consequence: missense variant. On other transcripts: non-coding transcript variant (1), intron variant (1).
Genome position (GRCh38, 1-based): chr3:49,417,554, A>G on the plus strand (T>C on the coding strand, the complement: AMT is on the minus strand). VCF-style: chr3-49417554-A-G. GRCh37 (hg19) VCF-style: chr3-49454987-A-G.
Other names: c.1066T>C, p.Tyr356His (NM_001164710.2); c.1030T>C, p.Tyr344His (NM_001164711.2); c.1137+61T>C (NM_001164712.2); short protein forms Y356H, Y400H, Y344H.
Identifiers: ClinVar variation 2173098 (VCV002173098.1), dbSNP rs1180285041, ClinGen allele CA352788433.